The following is an entry in ClinVar:

NM_032242.4(PLXNA1):c.3343A>G (p.Ser1115Gly)

Gene: PLXNA1 (plexin A1; plus strand). Cytogenetic location: 3q21.3.
Variant type: single nucleotide variant.
Coding change: c.3343A>G on transcript NM_032242.4 (MANE Select); coding-DNA position 3343, A replaced by G.
Protein change: p.Ser1115Gly; replaces serine 1115 with glycine.
Molecular consequence: missense variant.
Genome position (GRCh38, 1-based): chr3:127,017,491, A>G. VCF-style: chr3-127017491-A-G. GRCh37 (hg19) VCF-style: chr3-126736334-A-G.
Other names: short protein forms S1115G.
Identifiers: ClinVar variation 2635961 (VCV002635961.3), dbSNP rs574274525, ClinGen allele CA2593991.

ClinVar aggregate classification (germline): Uncertain significance (0 of 4 stars; one submission).

Conditions:
PLXNA1-related disorder. Also called: PLXNA1-related condition.

Allele frequency attached by ClinVar (database versions not stated): ExAC 0.00004; gnomAD 0.00005; gnomAD exomes 0.00008; TOPMed 0.00008.
gnomAD v4.1: 126 of 1,613,386 alleles (0.0078%); highest among the groups gnomAD compares: Admixed American, 0.015%; no homozygotes.

Submission:

PreventionGenetics, part of Exact Sciences
Classification: Uncertain significance for PLXNA1-related condition. Last evaluated: 2023-12-15. Review status: no assertion criteria provided. Collection method: clinical testing. Allele origin: germline.
Comment: The PLXNA1 c.3343A>G variant is predicted to result in the amino acid substitution p.Ser1115Gly. To our knowledge, this variant has not been reported in the literature. This variant is reported in 0.017% of alleles in individuals of Latino descent in gnomAD. At this time, the clinical significance of this variant is uncertain due to the absence of conclusive functional and genetic evidence.